The following is an entry in ClinVar:

NM_001286.5(CLCN6):c.2366_2369dup (p.Asp791fs)

Gene: CLCN6 (chloride voltage-gated channel 6; plus strand). Cytogenetic location: 1p36.22.
Variant type: Duplication.
Coding change: c.2366_2369dup on transcript NM_001286.5 (MANE Select); coding-DNA positions 2366 to 2369, 4 bases duplicated (ACCT; older notation c.2366_2369dupACCT).
Protein change: p.Asp791fs; shifts the reading frame from aspartic acid 791.
Molecular consequence: frameshift variant. On other transcripts: non-coding transcript variant (1).
Genome position (GRCh38, 1-based): chr1:11,838,405-11,838,408, ACCT duplicated. VCF-style (leftmost placement, unchanged base first): chr1-11838404-G-GACCT. GRCh37 (hg19) VCF-style: chr1-11898461-G-GACCT.
Other names: c.2300_2303dup, p.Asp769fs (NM_001256959.2); short protein forms D769fs, D791fs.
Identifiers: ClinVar variation 2709344 (VCV002709344.3), dbSNP rs2523177039, ClinGen allele CA2697552171.

ClinVar aggregate classification (germline): Uncertain significance (1 of 4 stars; one submission).

Submission:

Labcorp Genetics (formerly Invitae), Labcorp
Classification: Uncertain significance. Last evaluated: 2024-01-14. Review status: criteria provided, single submitter. Criteria: Invitae Variant Classification Sherloc (09022015). Collection method: clinical testing. Allele origin: germline.
Comment: This sequence change creates a premature translational stop signal (p.Asp791Profs*67) in the CLCN6 gene. While this is not anticipated to result in nonsense mediated decay, it is expected to disrupt the last 79 amino acid(s) of the CLCN6 protein. This variant is not present in population databases (gnomAD no frequency). This variant has not been reported in the literature in individuals affected with CLCN6-related conditions. Experimental studies and prediction algorithms are not available or were not evaluated, and the functional significance of this variant is currently unknown. In summary, the available evidence is currently insufficient to determine the role of this variant in disease. Therefore, it has been classified as a Variant of Uncertain Significance.